The following is an entry in ClinVar:

ClinVar aggregate classification (germline): Uncertain significance (1 of 4 stars; one submission).

Conditions:
PUF60-related disorder. Also called: PUF60-related condition.

Submission:

PreventionGenetics, part of Exact Sciences
Classification: Uncertain significance for PUF60-related condition. Last evaluated: 2026-05-18. Review status: criteria provided, single submitter. Criteria: ACMG Guidelines, 2015. Collection method: clinical testing. Allele origin: germline.
Comment: The PUF60 c.2_7dup6 variant is predicted to result in an in-frame duplication (p.Met1_Ala2dup). To our knowledge, this variant has not been reported in the literature or in a large population database (gnomAD), indicating this variant is rare. At this time, the clinical significance of this variant is uncertain due to the absence of conclusive functional and genetic evidence.

NM_078480.3(PUF60):c.2_7dup (p.Ala2_Thr3insMetAla)

Genes: PUF60 (poly(U) binding splicing factor 60; minus strand), LOC126860549 (MED14-independent group 3 enhancer GRCh37_chr8:144911577-144912776; plus strand). Cytogenetic location: 8q24.3.
Variant type: Duplication.
Coding change: c.2_7dup on transcript NM_078480.3 (MANE Select); coding-DNA positions 2 to 7, 6 bases duplicated (TGGCGA; older notation c.2_7dupTGGCGA).
Protein change: p.Ala2_Thr3insMetAla.
Molecular consequence: inframe insertion, initiator codon variant.
Genome position (GRCh38, 1-based): chr8:143,829,297-143,829,302, TCGCCA duplicated on the plus strand (TGGCGA on the coding strand, the reverse complement: PUF60 is on the minus strand); duplicating any 6 consecutive bases within chr8:143,829,297-143,829,304 gives the same sequence; the c. name uses the placement nearest the transcript's 3' end. VCF-style (leftmost placement, unchanged base first): chr8-143829296-G-GTCGCCA. GRCh37 (hg19) VCF-style: chr8-144911466-G-GTCGCCA.
Other names: c.2_7dup, p.Ala2_Thr3insMetAla (NM_001271096.2, NM_001271097.2, NM_001271098.2 and 2 more transcripts).
Identifiers: ClinVar variation 4986354 (VCV004986354.1).